The following is an entry in ClinVar:

ClinVar aggregate classification (germline): Uncertain significance (1 of 4 stars; one submission).

Conditions:
Developmental and epileptic encephalopathy, 12 (DEE12). Identifiers: MedGen C3150988, MONDO:0013389, OMIM 613722.

gnomAD v4.1: 1 of 1,614,036 alleles (0.000062%); highest among the groups gnomAD compares: Non-Finnish European, 0.000085%; no homozygotes.

Submission:

Labcorp Genetics (formerly Invitae), Labcorp
Classification: Uncertain significance for Developmental and epileptic encephalopathy, 12. Last evaluated: 2022-10-05. Review status: criteria provided, single submitter. Criteria: Invitae Variant Classification Sherloc (09022015). Collection method: clinical testing. Allele origin: germline.
Comment: This sequence change replaces tryptophan, which is neutral and slightly polar, with arginine, which is basic and polar, at codon 506 of the PNKP protein (p.Trp506Arg). This variant is not present in population databases (gnomAD no frequency). This variant has not been reported in the literature in individuals affected with PNKP-related conditions. ClinVar contains an entry for this variant (Variation ID: 1026293). Advanced modeling of protein sequence and biophysical properties (such as structural, functional, and spatial information, amino acid conservation, physicochemical variation, residue mobility, and thermodynamic stability) performed at Invitae indicates that this missense variant is not expected to disrupt PNKP protein function. In summary, the available evidence is currently insufficient to determine the role of this variant in disease. Therefore, it has been classified as a Variant of Uncertain Significance.

NM_007254.4(PNKP):c.1516T>C (p.Trp506Arg)

Gene: PNKP (polynucleotide kinase 3'-phosphatase; minus strand). Cytogenetic location: 19q13.33.
Variant type: single nucleotide variant.
Coding change: c.1516T>C on transcript NM_007254.4 (MANE Select); coding-DNA position 1516, T replaced by C.
Protein change: p.Trp506Arg; replaces tryptophan 506 with arginine.
Molecular consequence: missense variant.
Genome position (GRCh38, 1-based): chr19:49,861,298, A>G on the plus strand (T>C on the coding strand, the complement: PNKP is on the minus strand). VCF-style: chr19-49861298-A-G. GRCh37 (hg19) VCF-style: chr19-50364555-A-G.
Other names: short protein forms W506R.
Identifiers: ClinVar variation 1026293 (VCV001026293.6), dbSNP rs2074753341, ClinGen allele CA406932443.